The following is an entry in ClinVar:

ClinVar aggregate classification (germline): Conflicting classifications of pathogenicity. Review status: criteria provided, conflicting classifications (1 of 4 stars). 3 submissions from 3 submitters: Uncertain significance (1); Likely benign (2). Last evaluated 2025-10-05.

Conditions:
Hereditary cancer-predisposing syndrome. Also called: Hereditary neoplastic syndrome; Neoplastic Syndromes, Hereditary; Tumor predisposition; Hereditary Cancer Syndrome. Identifiers: Orphanet 140162, MedGen C0027672, MeSH D009386, MONDO:0015356.
POLD1-related polyposis and colorectal cancer syndrome (CRCS10). Also called: Colorectal cancer, susceptibility to, 10; Colorectal cancer 10; COLORECTAL CANCER, SUSCEPTIBILITY TO, ON CHROMOSOME 19q. Identifiers: Orphanet 220460, MedGen C2675481, MONDO:0012953, OMIM 612591.

gnomAD v4.1: 1 of 1,558,310 alleles (0.000064%); no homozygotes.

Submissions (3):

Labcorp Genetics (formerly Invitae), Labcorp
Classification: Likely benign for POLD1-related polyposis and colorectal cancer syndrome. Last evaluated: 2025-10-05. Review status: criteria provided, single submitter. Criteria: Invitae Variant Classification Sherloc (09022015). Collection method: clinical testing. Allele origin: germline.

GeneDx
Classification: Uncertain significance. Last evaluated: 2023-07-03. Review status: criteria provided, single submitter. Criteria: GeneDx Variant Classification Process June 2021. Collection method: clinical testing. Allele origin: germline. Affected: yes.
Comment: Not observed in large population cohorts (gnomAD); In silico analysis supports that this variant does not alter splicing; Has not been previously published as pathogenic or benign to our knowledge

Ambry Genetics
Classification: Likely benign for Hereditary cancer-predisposing syndrome. Last evaluated: 2017-10-10. Review status: criteria provided, single submitter. Criteria: Ambry Variant Classification Scheme 2023. Collection method: clinical testing. Allele origin: germline.

NM_002691.4(POLD1):c.172C>T (p.Leu58=)

Gene: POLD1 (DNA polymerase delta 1, catalytic subunit; plus strand). Cytogenetic location: 19q13.33.
Variant type: single nucleotide variant.
Coding change: c.172C>T on transcript NM_002691.4 (MANE Select); coding-DNA position 172, C replaced by T.
Protein change: p.Leu58=; no amino-acid change (leucine 58 retained).
Molecular consequence: synonymous variant. On other transcripts: non-coding transcript variant (1).
Genome position (GRCh38, 1-based): chr19:50,399,023, C>T. VCF-style: chr19-50399023-C-T. GRCh37 (hg19) VCF-style: chr19-50902280-C-T.
Other names: c.172C>T, p.Leu58= (NM_001256849.1, NM_001308632.1).
Identifiers: ClinVar variation 1089173 (VCV001089173.14), dbSNP rs2122197253, ClinGen allele CA508180525.